The following is an entry in ClinVar:

ClinVar aggregate classification (germline): Likely pathogenic (1 of 4 stars; one submission).

Conditions:
Familial dysautonomia. Also called: FD; HSAN III. Identifiers: Orphanet 1764, MedGen C0013364, MONDO:0009131, OMIM 223900. Disease mechanism: loss of function.

Submission:

Natera, Inc.
Classification: Likely pathogenic for Familial dysautonomia. Last evaluated: 2025-04-11. Review status: criteria provided, single submitter. Criteria: Natera Variant Classification Schema (03/2026). Collection method: clinical testing. Allele origin: germline.
Comment: The c.2074G>T variant in ELP1 is a nonsense variant predicted to introduce a stop codon at amino acid 692. This variant is expected to result in nonsense mediated decay, truncation, or a dysfunctional protein product. This variant is rare in the general population with a frequency below the threshold expected for the associated phenotype(s). Given the available evidence, this variant is classified as Likely Pathogenic.

NM_003640.5(ELP1):c.2074G>T (p.Glu692Ter)

Gene: ELP1 (elongator acetyltransferase complex subunit 1; minus strand). Cytogenetic location: 9q31.3.
Variant type: single nucleotide variant.
Coding change: c.2074G>T on transcript NM_003640.5 (MANE Select); coding-DNA position 2074, G replaced by T.
Protein change: p.Glu692Ter; replaces glutamic acid 692 with a stop codon.
Molecular consequence: nonsense.
Genome position (GRCh38, 1-based): chr9:108,900,316, C>A on the plus strand (G>T on the coding strand, the complement: ELP1 is on the minus strand). VCF-style: chr9-108900316-C-A. GRCh37 (hg19) VCF-style: chr9-111662596-C-A.
Other names: c.1732G>T, p.Glu578Ter (NM_001318360.2); c.1027G>T, p.Glu343Ter (NM_001330749.2); short protein forms E343*, E578*, E692*.
Identifiers: ClinVar variation 4067214 (VCV004067214.2).
Genomic context (GRCh38, chr9:108,900,316, plus strand): 5'-TTACCTGTAATACAAGCTTTGTGTCCTGGGGCACAACAGTGACAATCCGTGAACCCCTCT[C>A]CACTTTCCGCAGAACTTCCCCATGGGACACATGATTGCTGCTCAGGCCGGCCTGTAATGC-3'